The following is an entry in ClinVar:

NM_000143.4(FH):c.1069A>C (p.Ile357Leu)

Gene: FH (fumarate hydratase; minus strand). Cytogenetic location: 1q43.
Variant type: single nucleotide variant.
Coding change: c.1069A>C on transcript NM_000143.4 (MANE Select); coding-DNA position 1069, A replaced by C.
Protein change: p.Ile357Leu; replaces isoleucine 357 with leucine.
Molecular consequence: missense variant.
Genome position (GRCh38, 1-based): chr1:241,504,081, T>G on the plus strand (A>C on the coding strand, the complement: FH is on the minus strand). VCF-style: chr1-241504081-T-G. GRCh37 (hg19) VCF-style: chr1-241667381-T-G.
Other names: short protein forms I357L.
Identifiers: ClinVar variation 5021706 (VCV005021706.1).

ClinVar aggregate classification (germline): Uncertain significance (1 of 4 stars; one submission).

Conditions:
Hereditary cancer-predisposing syndrome. Also called: Neoplastic Syndromes, Hereditary; Tumor predisposition; Hereditary neoplastic syndrome; Hereditary Cancer Syndrome. Identifiers: Orphanet 140162, MedGen C0027672, MeSH D009386, MONDO:0015356.

Submission:

Ambry Genetics
Classification: Uncertain significance for Hereditary cancer-predisposing syndrome. Last evaluated: 2026-06-27. Review status: criteria provided, single submitter. Criteria: Ambry Variant Classification Scheme 2023. Collection method: clinical testing. Allele origin: germline.
Comment: The p.I357L variant (also known as c.1069A>C), located in coding exon 7 of the FH gene, results from an A to C substitution at nucleotide position 1069. The isoleucine at codon 357 is replaced by leucine, an amino acid with highly similar properties. This amino acid position is conserved. In addition, the in silico prediction for this alteration is inconclusive. Based on the available evidence, the clinical significance of this variant remains unclear.